The following is an entry in ClinVar:

ClinVar aggregate classification (germline): Benign. Review status: criteria provided, multiple submitters, no conflicts (2 of 4 stars). 3 submissions from 3 submitters: Benign (2). 1 of the submissions does not count toward it. Last evaluated 2019-12-31.

Conditions:
USP26-related disorder. Also called: USP26-related condition.

Allele frequency attached by ClinVar (database versions not stated): 1000 Genomes Project 0.00185; 1000 Genomes Project 30x 0.00208; TOPMed 0.00262; gnomAD 0.00315 and 0.00343; ESP Exome Variant Server 0.00379; ExAC 0.00438; gnomAD exomes 0.00452 and 0.00507.
gnomAD v4.1: 5,888 of 1,204,836 alleles (0.49%); highest among the groups gnomAD compares: Middle Eastern, 1.4%; 18 homozygotes.

Submissions (3):

Labcorp Genetics (formerly Invitae), Labcorp
Classification: Benign. Last evaluated: 2019-12-31. Review status: criteria provided, single submitter. Criteria: Invitae Variant Classification Sherloc (09022015). Collection method: clinical testing. Allele origin: germline.

Breakthrough Genomics
Classification: Benign. Review status: criteria provided, single submitter. Criteria: ACMG Guidelines, 2015. Collection method: not provided. Allele origin: germline. Inheritance: Unknown mechanism. Affected: yes.

PreventionGenetics, part of Exact Sciences
Classification: Likely benign for USP26-related condition. Last evaluated: 2019-02-28. Review status: no assertion criteria provided. Collection method: clinical testing. Allele origin: germline. Not counted in ClinVar's aggregate classification.
Comment: This variant is classified as likely benign based on ACMG/AMP sequence variant interpretation guidelines (Richards et al. 2015 PMID: 25741868, with internal and published modifications).

NM_031907.3(USP26):c.1737G>A (p.Met579Ile)

Gene: USP26 (ubiquitin specific peptidase 26; minus strand). Cytogenetic location: Xq26.2.
Variant type: single nucleotide variant.
Coding change: c.1737G>A on transcript NM_031907.3 (MANE Select); coding-DNA position 1737, G replaced by A.
Protein change: p.Met579Ile; replaces methionine 579 with isoleucine.
Molecular consequence: missense variant.
Genome position (GRCh38, 1-based): chrX:133,026,484, C>T on the plus strand (G>A on the coding strand, the complement: USP26 is on the minus strand). VCF-style: chrX-133026484-C-T. GRCh37 (hg19) VCF-style: chrX-132160512-C-T.
Other names: short protein forms M579I.
Identifiers: ClinVar variation 711746 (VCV000711746.7), dbSNP rs138385391, ClinGen allele CA10519856.